The following is an entry in ClinVar:

ClinVar aggregate classification (germline): Uncertain significance (1 of 4 stars; one submission).

Allele frequency attached by ClinVar (database versions not stated): gnomAD exomes below 0.00001; ExAC 0.00001.

Submission:

Labcorp Genetics (formerly Invitae), Labcorp
Classification: Uncertain significance. Last evaluated: 2021-12-22. Review status: criteria provided, single submitter. Criteria: Invitae Variant Classification Sherloc (09022015). Collection method: clinical testing. Allele origin: germline.
Comment: In summary, the available evidence is currently insufficient to determine the role of this variant in disease. Therefore, it has been classified as a Variant of Uncertain Significance. Algorithms developed to predict the effect of missense changes on protein structure and function (SIFT, PolyPhen-2, Align-GVGD) all suggest that this variant is likely to be tolerated. This variant has not been reported in the literature in individuals affected with TUBGCP4-related conditions. This variant is present in population databases (rs768715226, gnomAD 0.003%). This sequence change replaces glycine, which is neutral and non-polar, with arginine, which is basic and polar, at codon 80 of the TUBGCP4 protein (p.Gly80Arg).

NM_014444.5(TUBGCP4):c.238G>A (p.Gly80Arg)

Gene: TUBGCP4 (tubulin gamma complex component 4; plus strand). Cytogenetic location: 15q15.3.
Variant type: single nucleotide variant.
Coding change: c.238G>A on transcript NM_014444.5 (MANE Select); coding-DNA position 238, G replaced by A.
Protein change: p.Gly80Arg; replaces glycine 80 with arginine.
Molecular consequence: missense variant.
Genome position (GRCh38, 1-based): chr15:43,376,533, G>A. VCF-style: chr15-43376533-G-A. GRCh37 (hg19) VCF-style: chr15-43668731-G-A.
Other names: c.238G>A, p.Gly80Arg (NM_001286414.3); short protein forms G80R.
Identifiers: ClinVar variation 2049269 (VCV002049269.4), dbSNP rs768715226, ClinGen allele CA7523706.
Genomic context (GRCh38, chr15:43,376,533, plus strand): 5'-AGAAGTTGGCTTCTGTTTGTTTGATTTCAGGATCACCATCCATCTCAACAGGGCCAAGGT[G>A]GGTTACATGGAATCTACCTGCGGGCCTTCTGCACAGGGCTGGATTCTGTTTTGCAGCCTT-3'
Protein context (NP_055259.2, residues 70-90): DHHPSQQGQG[Gly80Arg]LHGIYLRAFC